The following is an entry in ClinVar:

NM_012434.5(SLC17A5):c.578T>C (p.Leu193Pro)

Gene: SLC17A5 (solute carrier family 17 member 5; minus strand). Cytogenetic location: 6q13.
Variant type: single nucleotide variant.
Coding change: c.578T>C on transcript NM_012434.5 (MANE Select); coding-DNA position 578, T replaced by C.
Protein change: p.Leu193Pro; replaces leucine 193 with proline.
Molecular consequence: missense variant.
Genome position (GRCh38, 1-based): chr6:73,638,447, A>G on the plus strand (T>C on the coding strand, the complement: SLC17A5 is on the minus strand). VCF-style: chr6-73638447-A-G. GRCh37 (hg19) VCF-style: chr6-74348170-A-G.
Other names: c.347T>C, p.Leu116Pro (NM_001382629.1, NM_001382636.1); c.578T>C, p.Leu193Pro (NM_001382630.1, NM_001382632.1, NM_001382633.1 and 2 more transcripts); c.599T>C, p.Leu200Pro (NM_001382631.1); short protein forms L116P, L193P, L200P.
Identifiers: ClinVar variation 2124414 (VCV002124414.4), dbSNP rs1769126015, ClinGen allele CA364716776.

ClinVar aggregate classification (germline): Uncertain significance (1 of 4 stars; one submission).

Conditions:
Salla disease (SD). Also called: Less Severe FSASD (Salla Disease); Sialuria, Finnish type; N-acetylneuraminic acid (NANA) storage disease (NSD); Infantile sialic acid storage disorder (ISSD). Identifiers: Orphanet 309334, Orphanet 834, MedGen C1096903, MONDO:0011449, OMIM 604369.

Submission:

Labcorp Genetics (formerly Invitae), Labcorp
Classification: Uncertain significance for Salla disease. Last evaluated: 2022-04-24. Review status: criteria provided, single submitter. Criteria: Invitae Variant Classification Sherloc (09022015). Collection method: clinical testing. Allele origin: germline.
Comment: This variant has not been reported in the literature in individuals affected with SLC17A5-related conditions. This variant is not present in population databases (gnomAD no frequency). This sequence change replaces leucine, which is neutral and non-polar, with proline, which is neutral and non-polar, at codon 193 of the SLC17A5 protein (p.Leu193Pro). Algorithms developed to predict the effect of missense changes on protein structure and function (SIFT, PolyPhen-2, Align-GVGD) all suggest that this variant is likely to be disruptive. In summary, the available evidence is currently insufficient to determine the role of this variant in disease. Therefore, it has been classified as a Variant of Uncertain Significance.